The following is an entry in ClinVar:

ClinVar aggregate classification (germline): Uncertain significance (1 of 4 stars; one submission).

Conditions:
Hereditary nonpolyposis colorectal neoplasms. Identifiers: MedGen C0009405, MeSH D003123.

Submission:

Labcorp Genetics (formerly Invitae), Labcorp
Classification: Uncertain significance for Hereditary nonpolyposis colorectal neoplasms. Last evaluated: 2023-01-29. Review status: criteria provided, single submitter. Criteria: Invitae Variant Classification Sherloc (09022015). Collection method: clinical testing. Allele origin: germline.
Comment: This variant is not present in population databases (gnomAD no frequency). In summary, the available evidence is currently insufficient to determine the role of this variant in disease. Therefore, it has been classified as a Variant of Uncertain Significance. Advanced modeling of protein sequence and biophysical properties (such as structural, functional, and spatial information, amino acid conservation, physicochemical variation, residue mobility, and thermodynamic stability) has been performed at Invitae for this missense variant, however the output from this modeling did not meet the statistical confidence thresholds required to predict the impact of this variant on MSH6 protein function. ClinVar contains an entry for this variant (Variation ID: 1348348). This variant has not been reported in the literature in individuals affected with MSH6-related conditions. This sequence change replaces aspartic acid, which is acidic and polar, with histidine, which is basic and polar, at codon 934 of the MSH6 protein (p.Asp934His).

NM_000179.3(MSH6):c.2800G>C (p.Asp934His)

Gene: MSH6 (mutS homolog 6; plus strand). Cytogenetic location: 2p16.3.
Variant type: single nucleotide variant.
Coding change: c.2800G>C on transcript NM_000179.3 (MANE Select); coding-DNA position 2800, G replaced by C.
Protein change: p.Asp934His; replaces aspartic acid 934 with histidine.
Molecular consequence: missense variant.
Genome position (GRCh38, 1-based): chr2:47,800,783, G>C. VCF-style: chr2-47800783-G-C. GRCh37 (hg19) VCF-style: chr2-48027922-G-C.
Other names: c.2410G>C, p.Asp804His (NM_001281492.2); c.1894G>C, p.Asp632His (NM_001281493.2, NM_001281494.2); short protein forms D804H, D632H, D934H.
Identifiers: ClinVar variation 1348348 (VCV001348348.8), dbSNP rs2104424683, ClinGen allele CA346755576.